The following is an entry in ClinVar:

ClinVar aggregate classification (germline): Uncertain significance (1 of 4 stars; one submission).

Conditions:
Hereditary cancer-predisposing syndrome. Also called: Tumor predisposition; Hereditary Cancer Syndrome; Neoplastic Syndromes, Hereditary; Hereditary neoplastic syndrome. Identifiers: Orphanet 140162, MedGen C0027672, MeSH D009386, MONDO:0015356.

Submission:

Ambry Genetics
Classification: Uncertain significance for Hereditary cancer-predisposing syndrome. Last evaluated: 2024-10-02. Review status: criteria provided, single submitter. Criteria: Ambry Variant Classification Scheme 2023. Collection method: clinical testing. Allele origin: germline.
Comment: The p.K1002R variant (also known as c.3005A>G), located in coding exon 14 of the BLM gene, results from an A to G substitution at nucleotide position 3005. The lysine at codon 1002 is replaced by arginine, an amino acid with highly similar properties. This amino acid position is not well conserved in available vertebrate species. In addition, this alteration is predicted to be tolerated by in silico analysis. Based on the available evidence, the clinical significance of this variant remains unclear.

NM_000057.4(BLM):c.3005A>G (p.Lys1002Arg)

Gene: BLM (BLM RecQ like helicase; plus strand). Cytogenetic location: 15q26.1.
Variant type: single nucleotide variant.
Coding change: c.3005A>G on transcript NM_000057.4 (MANE Select); coding-DNA position 3005, A replaced by G.
Protein change: p.Lys1002Arg; replaces lysine 1002 with arginine.
Molecular consequence: missense variant.
Genome position (GRCh38, 1-based): chr15:90,790,830, A>G. VCF-style: chr15-90790830-A-G. GRCh37 (hg19) VCF-style: chr15-91334060-A-G.
Other names: c.3005A>G, p.Lys1002Arg (NM_001287246.2, NM_001287247.2); c.1880A>G, p.Lys627Arg (NM_001287248.2); short protein forms K1002R, K627R.
Identifiers: ClinVar variation 822558 (VCV000822558.5), dbSNP rs1596257327, ClinGen allele CA393846599.